The following is an entry in ClinVar:

NM_001371928.1(AHDC1):c.3898C>T (p.Gln1300Ter)

Gene: AHDC1 (AT-hook DNA binding motif containing 1; minus strand). Cytogenetic location: 1p36.11.
Variant type: single nucleotide variant.
Coding change: c.3898C>T on transcript NM_001371928.1 (MANE Select); coding-DNA position 3898, C replaced by T.
Protein change: p.Gln1300Ter; replaces glutamine 1300 with a stop codon.
Molecular consequence: nonsense.
Genome position (GRCh38, 1-based): chr1:27,548,218, G>A on the plus strand (C>T on the coding strand, the complement: AHDC1 is on the minus strand). VCF-style: chr1-27548218-G-A. GRCh37 (hg19) VCF-style: chr1-27874729-G-A.
Other names: c.3898C>T, p.Gln1300Ter (NM_001029882.3); short protein forms Q1300*.
Identifiers: ClinVar variation 1526217 (VCV001526217.1), dbSNP rs2148263628, ClinGen allele CA339224765.

ClinVar aggregate classification (germline): Likely pathogenic (1 of 4 stars; one submission).

Conditions:
AHDC1-related intellectual disability - obstructive sleep apnea - mild dysmorphism syndrome. Also called: Xia-Gibbs syndrome. Identifiers: Orphanet 412069, MedGen C4014419, MONDO:0014358, OMIM 615829.

Submission:

3billion
Classification: Likely pathogenic for AHDC1-related intellectual disability - obstructive sleep apnea - mild dysmorphism syndrome. Last evaluated: 2022-03-22. Review status: criteria provided, single submitter. Criteria: ACMG Guidelines, 2015. Collection method: clinical testing. Allele origin: germline. Affected: yes. Observed: 1 heterozygote.
Comment: Stop-gained (nonsense): predicted to result in a loss or disruption of normal protein function through protein truncation. The predicted truncated protein may be shortened by more than 10%. It is not observed in the gnomAD v2.1.1 dataset. Therefore, this variant is classified as likely pathogenic according to the recommendation of ACMG/AMP guideline.